The following is an entry in ClinVar:

ClinVar aggregate classification (germline): Benign/Likely benign. Review status: criteria provided, multiple submitters, no conflicts (2 of 4 stars). 4 submissions from 4 submitters: Benign (1); Likely benign (3). Last evaluated 2024-04-09.

Conditions:
Hereditary cancer-predisposing syndrome. Also called: Neoplastic Syndromes, Hereditary; Hereditary Cancer Syndrome; Tumor predisposition; Hereditary neoplastic syndrome. Identifiers: Orphanet 140162, MedGen C0027672, MeSH D009386, MONDO:0015356.
Familial adenomatous polyposis 1 (FAP1). Also called: POLYPOSIS, ADENOMATOUS INTESTINAL; FAMILIAL ADENOMATOUS POLYPOSIS 1, ATTENUATED. Identifiers: MedGen C2713442, MONDO:0021056, OMIM 175100. Disease mechanism: loss of function.

Submissions (4):

Myriad Genetics, Inc.
Classification: Benign for Familial adenomatous polyposis 1. Last evaluated: 2024-04-09. Review status: criteria provided, single submitter. Criteria: Myriad Autosomal Dominant, Autosomal Recessive and X-Linked Classification Criteria (2023). Collection method: clinical testing. Allele origin: unknown.
Comment: This variant is considered benign. This variant is a silent/synonymous amino acid change and it is not expected to impact splicing.

Ambry Genetics
Classification: Likely benign for Hereditary cancer-predisposing syndrome. Last evaluated: 2022-02-03. Review status: criteria provided, single submitter. Criteria: Ambry Variant Classification Scheme 2023. Collection method: clinical testing. Allele origin: germline.

Labcorp Genetics (formerly Invitae), Labcorp
Classification: Likely benign for Familial adenomatous polyposis 1. Last evaluated: 2020-01-22. Review status: criteria provided, single submitter. Criteria: Invitae Variant Classification Sherloc (09022015). Collection method: clinical testing. Allele origin: germline.

GeneDx
Classification: Likely benign. Last evaluated: 2017-07-13. Review status: criteria provided, single submitter. Criteria: GeneDx Variant Classification (06012015). Collection method: clinical testing. Allele origin: germline. Affected: yes.
Comment: This variant is considered likely benign or benign based on one or more of the following criteria: it is a conservative change, it occurs at a poorly conserved position in the protein, it is predicted to be benign by multiple in silico algorithms, and/or has population frequency not consistent with disease.

NM_000038.6(APC):c.7221T>G (p.Gly2407=)

Gene: APC (APC regulator of Wnt signaling pathway; plus strand). Cytogenetic location: 5q22.2.
Variant type: single nucleotide variant.
Coding change: c.7221T>G on transcript NM_000038.6 (MANE Select); coding-DNA position 7221, T replaced by G.
Protein change: p.Gly2407=; no amino-acid change (glycine 2407 retained).
Molecular consequence: synonymous variant.
Genome position (GRCh38, 1-based): chr5:112,842,815, T>G. VCF-style: chr5-112842815-T-G. GRCh37 (hg19) VCF-style: chr5-112178512-T-G.
Other names: c.7221T>G, p.Gly2407= (NM_001127510.3, NM_001354895.2); c.7167T>G, p.Gly2389= (NM_001127511.3); c.7275T>G, p.Gly2425= (NM_001354896.2); c.7251T>G, p.Gly2417= (NM_001354897.2); c.7146T>G, p.Gly2382= (NM_001354898.2); c.7137T>G, p.Gly2379= (NM_001354899.2); c.7098T>G, p.Gly2366= (NM_001354900.2); c.7044T>G, p.Gly2348= (NM_001354901.2); and 5 more.
Identifiers: ClinVar variation 506342 (VCV000506342.52), dbSNP rs1554088138, ClinGen allele CA446210203.
Genomic context (GRCh38, chr5:112,842,815, plus strand): 5'-TGCCAGTAGTATTCCAAGAAGTGAGTCTGCCTCCAAAGGACTAAATCAGATGAATAATGG[T>G]AATGGAGCCAATAAAAAGGTAGAACTTTCTAGAATGTCTTCAACTAAATCAAGTGGAAGT-3'
Protein context (NP_000029.2, residues 2397-2417): ASKGLNQMNN[Gly2407=]NGANKKVELS